The following is an entry in ClinVar:

ClinVar aggregate classification (germline): Uncertain significance. Review status: criteria provided, multiple submitters, no conflicts (2 of 4 stars). 2 submissions from 2 submitters: Uncertain significance (2). Last evaluated 2026-01-01.

Conditions:
Charcot-Marie-Tooth Neuropathy X. Identifiers: MedGen CN118851.

Allele frequency attached by ClinVar (database versions not stated): gnomAD exomes below 0.00001.
gnomAD v4.1: 1 of 1,208,574 alleles (0.000083%); highest among the groups gnomAD compares: Non-Finnish European, 0.00011%; no homozygotes.

Submissions (2):

CeGaT Center for Human Genetics Tuebingen
Classification: Uncertain significance. Last evaluated: 2026-01-01. Review status: criteria provided, single submitter. Criteria: CeGaT Center For Human Genetics Tuebingen Variant Classification Criteria Version 2. Collection method: clinical testing. Allele origin: germline. Affected: yes. Observed: 1 variant allele.
Comment: GJB1: PM2

Labcorp Genetics (formerly Invitae), Labcorp
Classification: Uncertain significance for Charcot-Marie-Tooth Neuropathy X. Last evaluated: 2022-11-15. Review status: criteria provided, single submitter. Criteria: Invitae Variant Classification Sherloc (09022015). Collection method: clinical testing. Allele origin: germline.
Comment: In summary, the available evidence is currently insufficient to determine the role of this variant in disease. Therefore, it has been classified as a Variant of Uncertain Significance. Advanced modeling of protein sequence and biophysical properties (such as structural, functional, and spatial information, amino acid conservation, physicochemical variation, residue mobility, and thermodynamic stability) performed at Invitae indicates that this missense variant is not expected to disrupt GJB1 protein function. This variant has not been reported in the literature in individuals affected with GJB1-related conditions. This variant is not present in population databases (gnomAD no frequency). This sequence change replaces glycine, which is neutral and non-polar, with valine, which is neutral and non-polar, at codon 199 of the GJB1 protein (p.Gly199Val).

NM_000166.6(GJB1):c.596G>T (p.Gly199Val)

Gene: GJB1 (gap junction protein beta 1; plus strand). Cytogenetic location: Xq13.1.
Variant type: single nucleotide variant.
Coding change: c.596G>T on transcript NM_000166.6 (MANE Select); coding-DNA position 596, G replaced by T.
Protein change: p.Gly199Val; replaces glycine 199 with valine.
Molecular consequence: missense variant.
Genome position (GRCh38, 1-based): chrX:71,224,303, G>T. VCF-style: chrX-71224303-G-T. GRCh37 (hg19) VCF-style: chrX-70444153-G-T.
Other names: c.596G>T, p.Gly199Val (NM_001097642.3); short protein forms G199V.
Identifiers: ClinVar variation 1944916 (VCV001944916.9), dbSNP rs2147946811, ClinGen allele CA413503257.